The following is an entry in ClinVar:

NM_004380.3(CREBBP):c.5695A>C (p.Thr1899Pro)

Gene: CREBBP (CREB binding lysine acetyltransferase; minus strand). Cytogenetic location: 16p13.3.
Variant type: single nucleotide variant.
Coding change: c.5695A>C on transcript NM_004380.3 (MANE Select); coding-DNA position 5695, A replaced by C.
Protein change: p.Thr1899Pro; replaces threonine 1899 with proline.
Molecular consequence: missense variant.
Genome position (GRCh38, 1-based): chr16:3,729,352, T>G on the plus strand (A>C on the coding strand, the complement: CREBBP is on the minus strand). VCF-style: chr16-3729352-T-G. GRCh37 (hg19) VCF-style: chr16-3779353-T-G.
Other names: c.5581A>C, p.Thr1861Pro (NM_001079846.1); short protein forms T1861P, T1899P.
Identifiers: ClinVar variation 3720687 (VCV003720687.2).
Genomic context (GRCh38, chr16:3,729,352, plus strand): 5'-CTGGTGACATGCTCACGGGTGAGGGTTGGGGCTGGGCAGGGGGCTGCGGCGTCTGGGGTG[T>G]GCTGGGCTGCTGTGTGGGGGTCCCGGGCGGTGCTGAGGTAGGAGAAGGCAGACTCTGCTG-3'
Protein context (NP_004371.2, residues 1889-1909): PPGTPTQQPS[Thr1899Pro]PQTPQPPAQP

ClinVar aggregate classification (germline): Uncertain significance (1 of 4 stars; one submission).

Conditions:
Rubinstein-Taybi syndrome (RSTS). Identifiers: Orphanet 783, MedGen C0035934, MONDO:0019188.

Submission:

Labcorp Genetics (formerly Invitae), Labcorp
Classification: Uncertain significance for Rubinstein-Taybi syndrome. Last evaluated: 2025-06-09. Review status: criteria provided, single submitter. Criteria: Invitae Variant Classification Sherloc (09022015). Collection method: clinical testing. Allele origin: germline.
Comment: This sequence change replaces threonine, which is neutral and polar, with proline, which is neutral and non-polar, at codon 1899 of the CREBBP protein (p.Thr1899Pro). This variant is not present in population databases (gnomAD no frequency). This variant has not been reported in the literature in individuals affected with CREBBP-related conditions. ClinVar contains an entry for this variant (Variation ID: 3720687). Invitae Evidence Modeling of protein sequence and biophysical properties (such as structural, functional, and spatial information, amino acid conservation, physicochemical variation, residue mobility, and thermodynamic stability) indicates that this missense variant is not expected to disrupt CREBBP protein function with a negative predictive value of 95%. In summary, the available evidence is currently insufficient to determine the role of this variant in disease. Therefore, it has been classified as a Variant of Uncertain Significance.